The following is an entry in ClinVar:

NM_005562.3(LAMC2):c.2422C>G (p.Pro808Ala)

Gene: LAMC2 (laminin subunit gamma 2; plus strand). Cytogenetic location: 1q25.3.
Variant type: single nucleotide variant.
Coding change: c.2422C>G on transcript NM_005562.3 (MANE Select); coding-DNA position 2422, C replaced by G.
Protein change: p.Pro808Ala; replaces proline 808 with alanine.
Molecular consequence: missense variant.
Genome position (GRCh38, 1-based): chr1:183,235,696, C>G. VCF-style: chr1-183235696-C-G. GRCh37 (hg19) VCF-style: chr1-183204831-C-G.
Other names: c.2422C>G, p.Pro808Ala (NM_018891.3); short protein forms P808A.
Identifiers: ClinVar variation 773290 (VCV000773290.40), dbSNP rs144355456, ClinGen allele CA1282918.
Genomic context (GRCh38, chr1:183,235,696, plus strand): 5'-CAAGCCCTCTCACTGGTGCGCAAGGCCCTGCATGAAGGAGTCGGAAGCGGAAGCGGTAGC[C>G]CGGACGGTGCTGTGGTGCAAGGGCTTGTGGAAAAGTACGTTCCTACGGGTCCTCCCGTGG-3'
Protein context (NP_005553.2, residues 798-818): HEGVGSGSGS[Pro808Ala]DGAVVQGLVE

ClinVar aggregate classification (germline): Benign/Likely benign. Review status: criteria provided, multiple submitters, no conflicts (2 of 4 stars). 5 submissions from 5 submitters: Benign (4); Likely benign (1). Last evaluated 2026-02-04.

Conditions:
Junctional epidermolysis bullosa. Identifiers: Orphanet 305, MedGen C0079301, MONDO:0017612.

Allele frequency attached by ClinVar (database versions not stated): 1000 Genomes Project 30x 0.00250; 1000 Genomes Project 0.00260; ESP Exome Variant Server 0.00400; TOPMed 0.00401; gnomAD 0.00439.
gnomAD v4.1: 7,355 of 1,614,192 alleles (0.46%); highest among the groups gnomAD compares: Middle Eastern, 1.8%; 31 homozygotes.

Submissions (5):

Labcorp Genetics (formerly Invitae), Labcorp
Classification: Benign. Last evaluated: 2026-02-04. Review status: criteria provided, single submitter. Criteria: Invitae Variant Classification Sherloc (09022015). Collection method: clinical testing. Allele origin: germline.

CeGaT Center for Human Genetics Tuebingen
Classification: Likely benign. Last evaluated: 2025-12-01. Review status: criteria provided, single submitter. Criteria: CeGaT Center For Human Genetics Tuebingen Variant Classification Criteria Version 2. Collection method: clinical testing. Allele origin: germline. Affected: yes. Observed: 4 variant alleles.
Comment: LAMC2: BP4, BS2

Women's Health and Genetics/Laboratory Corporation of America, LabCorp
Classification: Benign. Last evaluated: 2022-02-28. Review status: criteria provided, single submitter. Criteria: LabCorp Variant Classification Summary - May 2015. Collection method: clinical testing. Allele origin: germline.
Comment: Variant summary: LAMC2 c.2422C>G (p.Pro808Ala) results in a non-conservative amino acid change in the encoded protein sequence. Four of five in-silico tools predict a benign effect of the variant on protein function. The variant allele was found at a frequency of 0.0049 in 251224 control chromosomes in the gnomAD database, including 7 homozygotes. The observed variant frequency is approximately 5.7 fold of the estimated maximal expected allele frequency for a pathogenic variant in LAMC2 causing Junctional Epidermolysis Bullosa phenotype (0.00087), strongly suggesting that the variant is benign. To our knowledge, no penetrant association of c.2422C>G in individuals affected with Junctional Epidermolysis Bullosa and no experimental evidence demonstrating its impact on protein function have been reported. Two clinical diagnostic laboratories have submitted clinical-significance assessments for this variant to ClinVar after 2014 without evidence for independent evaluation. All laboratories classified the variant as benign. Based on the evidence outlined above, the variant was classified as benign.

Illumina Laboratory Services, Illumina
Classification: Benign for Junctional epidermolysis bullosa. Last evaluated: 2017-04-27. Review status: criteria provided, single submitter. Criteria: ICSL Variant Classification Criteria 13 December 2019. Collection method: clinical testing. Allele origin: germline.
Comment: This variant was observed as part of a predisposition screen in an ostensibly healthy population. A literature search was performed for the gene, cDNA change, and amino acid change (where applicable). Publications were found based on this search. The evidence from the literature, in combination with allele frequency data from public databases where available, was sufficient to rule this variant out of causing disease. Therefore, this variant is classified as benign.

Breakthrough Genomics
Classification: Benign. Review status: criteria provided, single submitter. Criteria: ACMG Guidelines, 2015. Collection method: not provided. Allele origin: germline. Inheritance: Autosomal recessive inheritance. Affected: yes.

Literature cited by the submitters: PubMed 15370542 (cited by Illumina Laboratory Services, Illumina).